The following is an entry in ClinVar:

ClinVar aggregate classification (germline): Uncertain significance. Review status: criteria provided, multiple submitters, no conflicts (2 of 4 stars). 3 submissions from 3 submitters: Uncertain significance (2). 1 of the submissions does not count toward it. Last evaluated 2022-07-25.

Conditions:
Decreased circulating carnitine concentration. Also called: Decreased plasma carnitine. Identifiers: MedGen C5848230, HP:0003234.
Renal carnitine transport defect (CDSP). Also called: Systemic primary carnitine deficiency disease; CARNITINE DEFICIENCY, SYSTEMIC, DUE TO DEFECT IN RENAL REABSORPTION OF CARNITINE; CARNITINE TRANSPORTER, PLASMA-MEMBRANE, DEFICIENCY OF; CARNITINE UPTAKE DEFECT; Carnitine transporter deficiency; Carnitine Deficiency, Systemic. Identifiers: Orphanet 158, MedGen C0342788, MONDO:0008919, OMIM 212140.

Allele frequency attached by ClinVar (database versions not stated): TOPMed below 0.00001.

Submissions (3):

Labcorp Genetics (formerly Invitae), Labcorp
Classification: Uncertain significance for Renal carnitine transport defect. Last evaluated: 2022-07-25. Review status: criteria provided, single submitter. Criteria: Invitae Variant Classification Sherloc (09022015). Collection method: clinical testing. Allele origin: germline.
Comment: This sequence change replaces proline, which is neutral and non-polar, with leucine, which is neutral and non-polar, at codon 78 of the SLC22A5 protein (p.Pro78Leu). This variant is not present in population databases (gnomAD no frequency). This variant has not been reported in the literature in individuals affected with SLC22A5-related conditions. ClinVar contains an entry for this variant (Variation ID: 1051278). Advanced modeling of protein sequence and biophysical properties (such as structural, functional, and spatial information, amino acid conservation, physicochemical variation, residue mobility, and thermodynamic stability) performed at Invitae indicates that this missense variant is not expected to disrupt SLC22A5 protein function. In summary, the available evidence is currently insufficient to determine the role of this variant in disease. Therefore, it has been classified as a Variant of Uncertain Significance.

Department of Pathology and Laboratory Medicine, Sinai Health System
Classification: Uncertain significance for Renal carnitine transport defect. Last evaluated: 2022-01-25. Review status: criteria provided, single submitter. Criteria: ACMG Guidelines, 2015. Collection method: research. Allele origin: germline.

Natera, Inc.
Classification: Uncertain significance for Carnitine deficiency. Last evaluated: 2020-01-24. Review status: no assertion criteria provided. Collection method: clinical testing. Allele origin: germline. Not counted in ClinVar's aggregate classification.

NM_003060.4(SLC22A5):c.233C>T (p.Pro78Leu)

Gene: SLC22A5 (solute carrier family 22 member 5; plus strand). Cytogenetic location: 5q31.1.
Variant type: single nucleotide variant.
Coding change: c.233C>T on transcript NM_003060.4 (MANE Select); coding-DNA position 233, C replaced by T.
Protein change: p.Pro78Leu; replaces proline 78 with leucine.
Molecular consequence: missense variant.
Genome position (GRCh38, 1-based): chr5:132,370,205, C>T. VCF-style: chr5-132370205-C-T. GRCh37 (hg19) VCF-style: chr5-131705897-C-T.
Other names: c.233C>T, p.Pro78Leu (NM_001308122.2); short protein forms P78L.
Identifiers: ClinVar variation 1051278 (VCV001051278.11), dbSNP rs1751846688, ClinGen allele CA360802639.